The following is an entry in ClinVar:

ClinVar aggregate classification (germline): Conflicting classifications of pathogenicity. Review status: criteria provided, conflicting classifications (1 of 4 stars). 4 submissions from 4 submitters: Uncertain significance (3); Likely benign (1). Last evaluated 2025-09-20.

Conditions:
Hereditary cancer-predisposing syndrome. Also called: Tumor predisposition; Hereditary Cancer Syndrome; Neoplastic Syndromes, Hereditary; Hereditary neoplastic syndrome. Identifiers: Orphanet 140162, MedGen C0027672, MeSH D009386, MONDO:0015356.
Hereditary breast ovarian cancer syndrome. Also called: Hereditary breast and ovarian cancer; Breast and ovarian cancer; Hereditary breast and/or ovarian cancer syndrome; Hereditary breast and ovarian cancer syndrome; BRCA1- and BRCA2-Associated Hereditary Breast and Ovarian Cancer; Hereditary breast and ovarian cancer syndrome (HBOC). Identifiers: Orphanet 145, MedGen C0677776, MeSH D061325, MONDO:0003582. Disease mechanism: loss of function.
Familial cancer of breast. Also called: BREAST CANCER, FAMILIAL; Hereditary breast cancer; hereditary breast carcinoma. Identifiers: Orphanet 227535, MedGen C0346153, MONDO:0016419, OMIM 114480. Disease mechanism: loss of function.

Allele frequency attached by ClinVar (database versions not stated): gnomAD exomes below 0.00001; gnomAD 0.00001; TOPMed 0.00001.
gnomAD v4.1: 1 of 1,614,080 alleles (0.000062%); highest among the groups gnomAD compares: African/African-American, 0.0013%; no homozygotes.

Submissions (4):

Labcorp Genetics (formerly Invitae), Labcorp
Classification: Uncertain significance for Hereditary breast ovarian cancer syndrome. Last evaluated: 2025-09-20. Review status: criteria provided, single submitter. Criteria: Invitae Variant Classification Sherloc (09022015). Collection method: clinical testing. Allele origin: germline.
Comment: This sequence change replaces glutamic acid, which is acidic and polar, with glycine, which is neutral and non-polar, at codon 2844 of the BRCA2 protein (p.Glu2844Gly). This variant is present in population databases (no rsID available, gnomAD 0.007%). This variant has not been reported in the literature in individuals affected with BRCA2-related conditions. ClinVar contains an entry for this variant (Variation ID: 822539). Invitae Evidence Modeling of protein sequence and biophysical properties (such as structural, functional, and spatial information, amino acid conservation, physicochemical variation, residue mobility, and thermodynamic stability) indicates that this missense variant is not expected to disrupt BRCA2 protein function with a negative predictive value of 95%. In summary, the available evidence is currently insufficient to determine the role of this variant in disease. Therefore, it has been classified as a Variant of Uncertain Significance.

Ambry Genetics
Classification: Likely benign for Hereditary cancer-predisposing syndrome. Last evaluated: 2025-05-15. Review status: criteria provided, single submitter. Criteria: Ambry Variant Classification Scheme 2023. Collection method: clinical testing. Allele origin: germline.

Baylor Genetics
Classification: Uncertain significance for Familial cancer of breast. Last evaluated: 2023-07-17. Review status: criteria provided, single submitter. Criteria: ACMG Guidelines, 2015. Collection method: clinical testing. Allele origin: unknown.

GeneDx
Classification: Uncertain significance. Last evaluated: 2019-08-06. Review status: criteria provided, single submitter. Criteria: GeneDx Variant Classification Process June 2021. Collection method: clinical testing. Allele origin: germline. Affected: yes.
Comment: Not observed at a significant frequency in large population cohorts (Lek 2016); In silico analysis, which includes protein predictors and evolutionary conservation, supports that this variant does not alter protein structure/function; Has not been previously published as pathogenic or benign to our knowledge

Literature cited by the submitters: PubMed 34234914 (cited by Ambry Genetics).

NM_000059.4(BRCA2):c.8531A>G (p.Glu2844Gly)

Gene: BRCA2 (BRCA2 DNA repair associated; plus strand). Cytogenetic location: 13q13.1.
Variant type: single nucleotide variant.
Coding change: c.8531A>G on transcript NM_000059.4 (MANE Select); coding-DNA position 8531, A replaced by G.
Protein change: p.Glu2844Gly; replaces glutamic acid 2844 with glycine.
Molecular consequence: missense variant.
Genome position (GRCh38, 1-based): chr13:32,370,999, A>G. VCF-style: chr13-32370999-A-G. GRCh37 (hg19) VCF-style: chr13-32945136-A-G.
Other names: short protein forms E2844G.
Identifiers: ClinVar variation 822539 (VCV000822539.18), dbSNP rs900871740, ClinGen allele CA247484126.